The following is an entry in ClinVar:

ClinVar aggregate classification (germline): Uncertain significance. Review status: criteria provided, multiple submitters, no conflicts (2 of 4 stars). 2 submissions from 2 submitters: Uncertain significance (2). Last evaluated 2025-12-30.

Conditions:
Autoinflammation-PLCG2-associated antibody deficiency-immune dysregulation. Also called: AUTOINFLAMMATION, ANTIBODY DEFICIENCY, AND IMMUNE DYSREGULATION; Autoinflammation, antibody deficiency, and immune dysregulation syndrome; Autoinflammation, antibody deficiency, and immune dysregulation, plcg2-associated. Identifiers: Orphanet 324530, MedGen C3553961, MONDO:0013944, OMIM 614878.
Familial cold autoinflammatory syndrome 3 (FCAS3). Also called: FAMILIAL ATYPICAL COLD URTICARIA; ANTIBODY DEFICIENCY AND IMMUNE DYSREGULATION, PLCG2-ASSOCIATED. Identifiers: Orphanet 300359, MedGen C3280914, MONDO:0013766, OMIM 614468.

Allele frequency attached by ClinVar (database versions not stated): gnomAD 0.00001; TOPMed 0.00001; gnomAD exomes below 0.00001.
gnomAD v4.1: 4 of 1,613,896 alleles (0.00025%); highest among the groups gnomAD compares: Non-Finnish European, 0.00034%; no homozygotes.

Submissions (2):

Labcorp Genetics (formerly Invitae), Labcorp
Classification: Uncertain significance for Familial cold autoinflammatory syndrome 3. Last evaluated: 2025-12-30. Review status: criteria provided, single submitter. Criteria: Invitae Variant Classification Sherloc (09022015). Collection method: clinical testing. Allele origin: germline.
Comment: This sequence change creates a premature translational stop signal (p.Gln1241*) in the PLCG2 gene. While this is not anticipated to result in nonsense mediated decay, it is expected to disrupt the last 25 amino acid(s) of the PLCG2 protein. This variant is present in population databases (no rsID available, gnomAD 0.0009%). This variant has not been reported in the literature in individuals affected with PLCG2-related conditions. ClinVar contains an entry for this variant (Variation ID: 1445605). Experimental studies and prediction algorithms are not available or were not evaluated, and the functional significance of this variant is currently unknown. In summary, the available evidence is currently insufficient to determine the role of this variant in disease. Therefore, it has been classified as a Variant of Uncertain Significance.

Fulgent Genetics
Classification: Uncertain significance for Familial cold autoinflammatory syndrome 3; Autoinflammation-PLCG2-associated antibody deficiency-immune dysregulation. Last evaluated: 2021-12-14. Review status: criteria provided, single submitter. Criteria: ACMG Guidelines, 2015. Collection method: clinical testing. Allele origin: unknown.

NM_002661.5(PLCG2):c.3721C>T (p.Gln1241Ter)

Gene: PLCG2 (phospholipase C gamma 2; plus strand). Cytogenetic location: 16q23.3.
Variant type: single nucleotide variant.
Coding change: c.3721C>T on transcript NM_002661.5 (MANE Select); coding-DNA position 3721, C replaced by T.
Protein change: p.Gln1241Ter; replaces glutamine 1241 with a stop codon.
Molecular consequence: nonsense.
Genome position (GRCh38, 1-based): chr16:81,956,845, C>T. VCF-style: chr16-81956845-C-T. GRCh37 (hg19) VCF-style: chr16-81990450-C-T.
Other names: short protein forms Q1241*.
Identifiers: ClinVar variation 1445605 (VCV001445605.7), dbSNP rs1406944158, ClinGen allele CA396898541.